The following is an entry in ClinVar:

ClinVar aggregate classification (germline): Likely benign. Review status: criteria provided, multiple submitters, no conflicts (2 of 4 stars). 3 submissions from 3 submitters: Likely benign (2). 1 of the submissions does not count toward it. Last evaluated 2023-02-22.

Conditions:
Idiopathic Pulmonary Fibrosis. Also called: Idiopathic fibrosing alveolitis, chronic form; idiopathic fibrosing alveolitis. Identifiers: Orphanet 2032, MedGen C1800706, MeSH D054990, MONDO:0800504.
Dyskeratosis congenita, autosomal dominant 2. Identifiers: MedGen C3151443, MONDO:0013521, OMIM 613989.
TERT-related disorder. Also called: TERT-related condition; TERT-related disorders.
Dyskeratosis congenita. Identifiers: Orphanet 1775, MedGen C0265965, MONDO:0015780.

gnomAD v4.1: 1 of 1,613,320 alleles (0.000062%); highest among the groups gnomAD compares: Admixed American, 0.0017%; no homozygotes.

Submissions (3):

Labcorp Genetics (formerly Invitae), Labcorp
Classification: Likely benign for Dyskeratosis congenita, autosomal dominant 2; Idiopathic Pulmonary Fibrosis. Last evaluated: 2023-02-22. Review status: criteria provided, single submitter. Criteria: Invitae Variant Classification Sherloc (09022015). Collection method: clinical testing. Allele origin: germline.

Ambry Genetics
Classification: Likely benign for Dyskeratosis congenita. Last evaluated: 2021-05-05. Review status: criteria provided, single submitter. Criteria: Ambry Variant Classification Scheme 2023. Collection method: clinical testing. Allele origin: germline.

PreventionGenetics, part of Exact Sciences
Classification: Likely benign for TERT-related condition. Last evaluated: 2024-04-18. Review status: no assertion criteria provided. Collection method: clinical testing. Allele origin: germline. Not counted in ClinVar's aggregate classification.
Comment: This variant is classified as likely benign based on ACMG/AMP sequence variant interpretation guidelines (Richards et al. 2015 PMID: 25741868, with internal and published modifications).

NM_198253.3(TERT):c.1489C>T (p.Leu497=)

Gene: TERT (telomerase reverse transcriptase; minus strand). Cytogenetic location: 5p15.33.
Variant type: single nucleotide variant.
Coding change: c.1489C>T on transcript NM_198253.3 (MANE Select); coding-DNA position 1489, C replaced by T.
Protein change: p.Leu497=; no amino-acid change (leucine 497 retained).
Molecular consequence: synonymous variant. On other transcripts: non-coding transcript variant (2).
Genome position (GRCh38, 1-based): chr5:1,293,397, G>A on the plus strand (C>T on the coding strand, the complement: TERT is on the minus strand). VCF-style: chr5-1293397-G-A. GRCh37 (hg19) VCF-style: chr5-1293512-G-A.
Other names: c.1489C>T, p.Leu497= (NM_001193376.3).
Identifiers: ClinVar variation 416304 (VCV000416304.14), dbSNP rs747756167, ClinGen allele CA16611913.